The following continues an entry in ClinVar:

NM_000051.4(ATM):c.670A>G (p.Lys224Glu)

Gene: ATM. ClinVar aggregate classification (germline): Conflicting classifications of pathogenicity. Uncertain significance (19); Likely benign (4).

Submissions 14 to 27 of 27:

Women's Health and Genetics/Laboratory Corporation of America, LabCorp
Classification: Uncertain significance. Last evaluated: 2023-03-03. Review status: criteria provided, single submitter. Criteria: LabCorp Variant Classification Summary - May 2015. Collection method: clinical testing. Allele origin: germline.
Comment: Variant summary: ATM c.670A>G (p.Lys224Glu) results in a conservative amino acid change in the encoded protein sequence. Three of five in-silico tools predict a damaging effect of the variant on protein function. The variant allele was found at a frequency of 8.9e-05 in 258294 control chromosomes (gnomAD and publications). This frequency is not higher than expected for a pathogenic variant in ATM causing Ataxia-Telangiectasia (8.9e-05 vs 0.004), allowing no conclusion about variant significance. c.670A>G has been reported in the literature in an individual affected with Ataxia-Telangiectasia (Li_2000) and in several individuals affected with various types of cancers (example, Tavtigian_2009, Kraus_2016, Paulo_2018, Dalmasso_2021, Karlsson_2021). The variant has also been observed in unaffected control individuals (example, Tavtigian_2009, Girard_2019). These data do not allow any conclusion about variant significance. At-least one publication reports experimental evidence evaluating an impact on protein function, however, does not allow convincing conclusions about the variant effect (Navrkalova_2013). 12 ClinVar submitters (evaluation after 2014) cite the variant as uncertain significance and three ClinVar submitter (evaluation after 2014) cites it as likely benign. Based on the evidence outlined above, the variant was classified as uncertain significance.

CeGaT Center for Human Genetics Tuebingen
Classification: Likely benign. Last evaluated: 2022-09-01. Review status: criteria provided, single submitter. Criteria: CeGaT Center For Human Genetics Tuebingen Variant Classification Criteria Version 2. Collection method: clinical testing. Allele origin: germline. Affected: yes. Observed: 2 variant alleles.
Comment: ATM: BP4

Institute for Clinical Genetics, University Hospital TU Dresden, University Hospital TU Dresden
Classification: Uncertain significance. Last evaluated: 2021-11-03. Review status: criteria provided, single submitter. Criteria: ACMG Guidelines, 2015. Collection method: clinical testing. Allele origin: germline.

Sema4
Classification: Uncertain significance for Hereditary cancer-predisposing syndrome. Last evaluated: 2021-06-14. Review status: criteria provided, single submitter. Criteria: Sema4 Curation Guidelines. Collection method: curation. Allele origin: germline.
Comment: The ATM c.670A>G (p.K224E) has been reported in heterozygosity in numerous individuals with breast cancer, at least one individual with leukemia, and in numerous ethnically matched, unaffected controls (PMID: 33471991, 20305132, 25186627, 26689913, 19781682, 27616075, 26580448; OR= 0.5834 (95% CI: 0.0365 to 9.3321, z statistic: 0.381, P = 0.7032). This variant has also been identified as compound heterozygous in an individual with ataxia-telangiectasia (PMID: 10817650). It was observed in 21/128926 chromosomes, with no homozygotes, in the Non-Finnish European subpopulation in the large and broad cohorts of the Genome Aggregation Database (PMID: 32461654). The variant has been reported in ClinVar (Variation ID: 142522). In silico tools suggest the impact of the variant on protein function is inconclusive, though these predictions have not been confirmed by functional studies. The evidence is insufficient to meet ACMG/AMP criteria for classifying the variant as benign or pathogenic. Thus, the clinical significance of this variant is currently uncertain.

Color Diagnostics, LLC DBA Color Health
Classification: Likely benign for Hereditary cancer-predisposing syndrome. Last evaluated: 2020-08-20. Review status: criteria provided, single submitter. Criteria: ACMG Guidelines, 2015. Collection method: clinical testing. Allele origin: germline.

Division of Medical Genetics, University of Washington
Classification: Uncertain significance for Familial cancer of breast. Last evaluated: 2020-04-24. Review status: criteria provided, single submitter. Criteria: ACMG Guidelines, 2015. Collection method: clinical testing. Allele origin: germline. Affected: no. Study: CSER_CHARM.
Comment: This variant has been reported in the literature in individuals with breast cancer (Tavtigian 2009, Bernstein 2010, Lu 2015, Kraus 2017) and in an individual with ataxia-telangiectasia who had a frameshift variant in the ATM gene on the other allele (Li 2000). This variant has an overall allele frequency of 0.00009 in the Broad Institute gnomAD Browser. In silico analyses indicate this is an evolutionarily conserved residue. Thus, it is unknown at this time whether this variant increases cancer risk. PP3; PM3

Baylor Genetics
Classification: Uncertain significance for Ataxia-telangiectasia syndrome. Last evaluated: 2019-07-31. Review status: criteria provided, single submitter. Criteria: ACMG Guidelines, 2015. Collection method: clinical testing. Allele origin: maternal. Affected: yes. Study: CSER-TexasKidsCanSeq.
Comment: This variant was determined to be of uncertain significance according to ACMG Guidelines, 2015 [PMID:25741868].

SIB Swiss Institute of Bioinformatics
Classification: Uncertain significance for Ataxia-telangiectasia syndrome. Last evaluated: 2018-05-31. Review status: criteria provided, single submitter. Criteria: ACMG Guidelines, 2015. Collection method: curation. Allele origin: unknown.
Comment: This variant is interpreted as a Uncertain Significance - Insufficient Evidence, for Ataxia telangiectasia, in Autosomal Recessive manner. The following ACMG Tag(s) were applied: PM2 => Absent from controls (or at extremely low frequency if recessive) in Exome Sequencing Project, 1000 Genomes Project, or Exome Aggregation Consortium.

Eurofins Ntd Llc (ga)
Classification: Uncertain significance. Last evaluated: 2017-01-04. Review status: criteria provided, single submitter. Criteria: EGL Classification Definitions 2015. Collection method: clinical testing. Allele origin: germline. Observed: 1 variant allele, 1 heterozygote.

Genetic Services Laboratory, University of Chicago
Classification: Uncertain significance. Last evaluated: 2016-07-18. Review status: criteria provided, single submitter. Criteria: ACMG Guidelines, 2015. Collection method: clinical testing. Allele origin: germline. Affected: no.

Natera, Inc.
Classification: Uncertain significance for Ataxia-telangiectasia. Last evaluated: 2020-09-16. Review status: no assertion criteria provided. Collection method: clinical testing. Allele origin: germline. Not counted in ClinVar's aggregate classification.

Clinical Genetics Laboratory, Department of Pathology, Netherlands Cancer Institute
Classification: Uncertain significance. Review status: no assertion criteria provided. Collection method: clinical testing. Allele origin: germline. Affected: yes. Study: VKGL Data-share Consensus. Not counted in ClinVar's aggregate classification.

Diagnostic Laboratory, Department of Genetics, University Medical Center Groningen
Classification: Uncertain significance. Review status: no assertion criteria provided. Collection method: clinical testing. Allele origin: germline. Affected: yes. Study: VKGL Data-share Consensus. Not counted in ClinVar's aggregate classification.

Genome Diagnostics Laboratory, University Medical Center Utrecht
Classification: Uncertain significance. Review status: no assertion criteria provided. Collection method: clinical testing. Allele origin: germline. Affected: yes. Study: VKGL Data-share Consensus. Not counted in ClinVar's aggregate classification.

Literature cited by the submitters: PubMed 10817650 (cited by 5 submitters); PubMed 25085752 (cited by Myriad Genetics, Inc.); PubMed 19781682 (cited by 4 submitters); PubMed 23585524 (cited by 3 submitters); PubMed 26689913 (cited by 4 submitters); PubMed 27616075 (cited by 4 submitters); PubMed 29522266 (cited by Ambry Genetics); PubMed 33436325 (cited by Ambry Genetics and Women's Health and Genetics/Laboratory Corporation of America, LabCorp); PubMed 28779002 (cited by Athena Diagnostics); PubMed 31422574 (cited by Athena Diagnostics and Women's Health and Genetics/Laboratory Corporation of America, LabCorp); PubMed 30303537 (cited by Athena Diagnostics and Women's Health and Genetics/Laboratory Corporation of America, LabCorp); PubMed 25186627 (cited by 3 submitters); PubMed 36029002 (cited by Athena Diagnostics); PubMed 20305132 (cited by Women's Health and Genetics/Laboratory Corporation of America, LabCorp and Sema4); PubMed 26580448 (cited by Women's Health and Genetics/Laboratory Corporation of America, LabCorp and Sema4); PubMed 29659569 (cited by Women's Health and Genetics/Laboratory Corporation of America, LabCorp); PubMed 30447919 (cited by Women's Health and Genetics/Laboratory Corporation of America, LabCorp); PubMed 31920950 (cited by Women's Health and Genetics/Laboratory Corporation of America, LabCorp); PubMed 34262154 (cited by Women's Health and Genetics/Laboratory Corporation of America, LabCorp); PubMed 33471991 (cited by Sema4).